The following is an entry in ClinVar:

NM_004281.4(BAG3):c.305G>A (p.Gly102Asp)

Gene: BAG3 (BAG cochaperone 3; plus strand). Cytogenetic location: 10q26.11.
Variant type: single nucleotide variant.
Coding change: c.305G>A on transcript NM_004281.4 (MANE Select); coding-DNA position 305, G replaced by A.
Protein change: p.Gly102Asp; replaces glycine 102 with aspartic acid.
Molecular consequence: missense variant.
Genome position (GRCh38, 1-based): chr10:119,669,975, G>A. VCF-style: chr10-119669975-G-A. GRCh37 (hg19) VCF-style: chr10-121429487-G-A.
Other names: short protein forms G102D.
Identifiers: ClinVar variation 539151 (VCV000539151.4), dbSNP rs1554877016, ClinGen allele CA378294828.

ClinVar aggregate classification (germline): Uncertain significance (1 of 4 stars; one submission).

Conditions:
Myofibrillar myopathy 6. Identifiers: Orphanet 199340, MedGen C2751831, MONDO:0013061, OMIM 612954.
Dilated cardiomyopathy 1HH (CMD1HH). Identifiers: Orphanet 154, MedGen C3151293, MONDO:0013479, OMIM 613881.

Allele frequency attached by ClinVar (database versions not stated): gnomAD 0.00001; TOPMed 0.00001.
gnomAD v4.1: 1 of 1,614,116 alleles (0.000062%); no homozygotes.

Submission:

Labcorp Genetics (formerly Invitae), Labcorp
Classification: Uncertain significance for Dilated cardiomyopathy 1HH; Myofibrillar myopathy 6. Last evaluated: 2022-12-16. Review status: criteria provided, single submitter. Criteria: Invitae Variant Classification Sherloc (09022015). Collection method: clinical testing. Allele origin: germline.
Comment: This sequence change replaces glycine, which is neutral and non-polar, with aspartic acid, which is acidic and polar, at codon 102 of the BAG3 protein (p.Gly102Asp). This variant is not present in population databases (gnomAD no frequency). This variant has not been reported in the literature in individuals affected with BAG3-related conditions. ClinVar contains an entry for this variant (Variation ID: 539151). Advanced modeling of protein sequence and biophysical properties (such as structural, functional, and spatial information, amino acid conservation, physicochemical variation, residue mobility, and thermodynamic stability) has been performed at Invitae for this missense variant, however the output from this modeling did not meet the statistical confidence thresholds required to predict the impact of this variant on BAG3 protein function. In summary, the available evidence is currently insufficient to determine the role of this variant in disease. Therefore, it has been classified as a Variant of Uncertain Significance.